The following is an entry in ClinVar:

NM_017570.5(OPLAH):c.3018+1G>T

Gene: OPLAH (5-oxoprolinase, ATP-hydrolysing; minus strand). Cytogenetic location: 8q24.3.
Variant type: single nucleotide variant.
Coding change: c.3018+1G>T on transcript NM_017570.5 (MANE Select); the canonical splice donor site of the intron after coding-DNA position 3018, G replaced by T.
Molecular consequence: splice donor variant.
Genome position (GRCh38, 1-based): chr8:144,052,982, C>A on the plus strand (G>T on the coding strand, the complement: OPLAH is on the minus strand). VCF-style: chr8-144052982-C-A. GRCh37 (hg19) VCF-style: chr8-145107885-C-A.
Identifiers: ClinVar variation 3644216 (VCV003644216.2).

ClinVar aggregate classification (germline): Likely pathogenic (1 of 4 stars; one submission).

Conditions:
5-Oxoprolinase deficiency (OPLAHD). Also called: 5-OXOPROLINURIA DUE TO 5-OXOPROLINASE DEFICIENCY. Identifiers: Orphanet 33572, MedGen C0268525, MONDO:0009825, OMIM 260005, HP:0040142.

Submission:

Labcorp Genetics (formerly Invitae), Labcorp
Classification: Likely pathogenic for 5-Oxoprolinase deficiency. Last evaluated: 2024-04-23. Review status: criteria provided, single submitter. Criteria: Invitae Variant Classification Sherloc (09022015). Collection method: clinical testing. Allele origin: germline.
Comment: This sequence change affects a donor splice site in intron 21 of the OPLAH gene. It is expected to disrupt RNA splicing. Variants that disrupt the donor or acceptor splice site typically lead to a loss of protein function (PMID: 16199547), and loss-of-function variants in OPLAH are known to be pathogenic (PMID: 21651516, 27477828). This variant is not present in population databases (gnomAD no frequency). This variant has not been reported in the literature in individuals affected with OPLAH-related conditions. Algorithms developed to predict the effect of sequence changes on RNA splicing suggest that this variant may disrupt the consensus splice site. In summary, the currently available evidence indicates that the variant is pathogenic, but additional data are needed to prove that conclusively. Therefore, this variant has been classified as Likely Pathogenic.

Literature cited by the submitters: PubMed 16199547; PubMed 21651516; PubMed 27477828.